The following is an entry in ClinVar:

NM_000059.4(BRCA2):c.2942A>G (p.Lys981Arg)

Gene: BRCA2 (BRCA2 DNA repair associated; plus strand). Cytogenetic location: 13q13.1.
Variant type: single nucleotide variant.
Coding change: c.2942A>G on transcript NM_000059.4 (MANE Select); coding-DNA position 2942, A replaced by G.
Protein change: p.Lys981Arg; replaces lysine 981 with arginine.
Molecular consequence: missense variant.
Genome position (GRCh38, 1-based): chr13:32,337,297, A>G. VCF-style: chr13-32337297-A-G. GRCh37 (hg19) VCF-style: chr13-32911434-A-G.
Other names: K961R; 3170A>G; short protein forms K981R.
Identifiers: ClinVar variation 91791 (VCV000091791.18), dbSNP rs398122757, ClinGen allele CA016842.

ClinVar aggregate classification (germline): Conflicting classifications of pathogenicity. Review status: criteria provided, conflicting classifications (1 of 4 stars). 5 submissions from 5 submitters: Uncertain significance (2); Likely benign (2). 1 of the submissions does not count toward it. Last evaluated 2025-08-28.

Conditions:
Hereditary cancer-predisposing syndrome. Also called: Tumor predisposition; Hereditary Cancer Syndrome; Neoplastic Syndromes, Hereditary; Hereditary neoplastic syndrome. Identifiers: Orphanet 140162, MedGen C0027672, MeSH D009386, MONDO:0015356.
Hereditary breast ovarian cancer syndrome. Also called: Breast and ovarian cancer; Hereditary breast and ovarian cancer; Hereditary breast and ovarian cancer syndrome; BRCA1- and BRCA2-Associated Hereditary Breast and Ovarian Cancer; Hereditary breast and ovarian cancer syndrome (HBOC); Hereditary breast and/or ovarian cancer syndrome. Identifiers: Orphanet 145, MedGen C0677776, MeSH D061325, MONDO:0003582. Disease mechanism: loss of function.
Breast-ovarian cancer, familial, susceptibility to, 2 (BROVCA2). Also called: BRCA2 Hereditary Breast and Ovarian Cancer. Identifiers: Orphanet 145, MedGen C2675520, MONDO:0012933, OMIM 612555. Disease mechanism: loss of function.

Submissions (5):

Ambry Genetics
Classification: Likely benign for Hereditary cancer-predisposing syndrome. Last evaluated: 2025-08-28. Review status: criteria provided, single submitter. Criteria: Ambry Variant Classification Scheme 2023. Collection method: clinical testing. Allele origin: germline.

Labcorp Genetics (formerly Invitae), Labcorp
Classification: Uncertain significance for Hereditary breast ovarian cancer syndrome. Last evaluated: 2024-10-12. Review status: criteria provided, single submitter. Criteria: Invitae Variant Classification Sherloc (09022015). Collection method: clinical testing. Allele origin: germline.
Comment: This sequence change replaces lysine, which is basic and polar, with arginine, which is basic and polar, at codon 981 of the BRCA2 protein (p.Lys981Arg). This variant is not present in population databases (gnomAD no frequency). This variant has not been reported in the literature in individuals affected with BRCA2-related conditions. ClinVar contains an entry for this variant (Variation ID: 91791). Invitae Evidence Modeling of protein sequence and biophysical properties (such as structural, functional, and spatial information, amino acid conservation, physicochemical variation, residue mobility, and thermodynamic stability) indicates that this missense variant is not expected to disrupt BRCA2 protein function with a negative predictive value of 95%. In summary, the available evidence is currently insufficient to determine the role of this variant in disease. Therefore, it has been classified as a Variant of Uncertain Significance.

University of Washington Department of Laboratory Medicine, University of Washington
Classification: Likely benign for Hereditary cancer-predisposing syndrome. Last evaluated: 2023-03-23. Review status: criteria provided, single submitter. Criteria: Dines et al. (Genet Med. 2020). Collection method: curation. Allele origin: germline.
Comment: Missense variant in a coldspot region where missense variants are very unlikely to be pathogenic (PMID:31911673).

BRCA2 exon 11 coldspot. Reclassification based on statistical prior probability.

Women's Health and Genetics/Laboratory Corporation of America, LabCorp
Classification: Uncertain significance. Last evaluated: 2023-02-14. Review status: criteria provided, single submitter. Criteria: LabCorp Variant Classification Summary - May 2015. Collection method: clinical testing. Allele origin: germline.

Sharing Clinical Reports Project (SCRP)
Classification: Uncertain significance for Breast-ovarian cancer, familial 2. Last evaluated: 2010-07-27. Review status: no assertion criteria provided. Collection method: clinical testing. Allele origin: germline. Not counted in ClinVar's aggregate classification.